The following is an entry in ClinVar:

ClinVar aggregate classification (germline): Uncertain significance. Review status: criteria provided, multiple submitters, no conflicts (2 of 4 stars). 2 submissions from 2 submitters: Uncertain significance (2). Last evaluated 2025-02-15.

Conditions:
Inborn genetic diseases. Identifiers: MedGen C0950123, MeSH D030342.

Allele frequency attached by ClinVar (database versions not stated): gnomAD exomes below 0.00001; TOPMed below 0.00001; gnomAD 0.00001.
gnomAD v4.1: 3 of 1,613,984 alleles (0.00019%); highest among the groups gnomAD compares: Admixed American, 0.0017%; no homozygotes.

Submissions (2):

Ambry Genetics
Classification: Uncertain significance for Inborn genetic diseases. Last evaluated: 2025-02-15. Review status: criteria provided, single submitter. Criteria: Ambry Variant Classification Scheme 2023. Collection method: clinical testing. Allele origin: germline.

Labcorp Genetics (formerly Invitae), Labcorp
Classification: Uncertain significance. Last evaluated: 2023-11-27. Review status: criteria provided, single submitter. Criteria: Invitae Variant Classification Sherloc (09022015). Collection method: clinical testing. Allele origin: germline.
Comment: This sequence change replaces leucine, which is neutral and non-polar, with phenylalanine, which is neutral and non-polar, at codon 135 of the CNNM4 protein (p.Leu135Phe). This variant is not present in population databases (gnomAD no frequency). This variant has not been reported in the literature in individuals affected with CNNM4-related conditions. ClinVar contains an entry for this variant (Variation ID: 1465846). Advanced modeling of protein sequence and biophysical properties (such as structural, functional, and spatial information, amino acid conservation, physicochemical variation, residue mobility, and thermodynamic stability) performed at Invitae indicates that this missense variant is not expected to disrupt CNNM4 protein function with a negative predictive value of 80%. In summary, the available evidence is currently insufficient to determine the role of this variant in disease. Therefore, it has been classified as a Variant of Uncertain Significance.

NM_020184.4(CNNM4):c.403C>T (p.Leu135Phe)

Gene: CNNM4 (cyclin and CBS domain divalent metal cation transport mediator 4; plus strand). Cytogenetic location: 2q11.2.
Variant type: single nucleotide variant.
Coding change: c.403C>T on transcript NM_020184.4 (MANE Select); coding-DNA position 403, C replaced by T.
Protein change: p.Leu135Phe; replaces leucine 135 with phenylalanine.
Molecular consequence: missense variant.
Genome position (GRCh38, 1-based): chr2:96,761,402, C>T. VCF-style: chr2-96761402-C-T. GRCh37 (hg19) VCF-style: chr2-97427139-C-T.
Other names: c.403C>T (NM_020184.3); short protein forms L135F.
Identifiers: ClinVar variation 1465846 (VCV001465846.7), dbSNP rs745779788, ClinGen allele CA52466930.